The following is an entry in ClinVar:

ClinVar aggregate classification (germline): Likely pathogenic (1 of 4 stars; one submission).

Conditions:
Autosomal recessive polycystic kidney disease (ARPKD). Also called: AR polycystic kidney disease. Identifiers: Orphanet 731, Orphanet 8378, MedGen C0085548, MeSH D017044, MONDO:0009889.

Submission:

Natera, Inc.
Classification: Likely pathogenic for Autosomal recessive polycystic kidney disease. Last evaluated: 2026-01-22. Review status: criteria provided, single submitter. Criteria: Natera Variant Classification Schema (03/2026). Collection method: clinical testing. Allele origin: germline.
Comment: The c.6808+1G>A variant in PKHD1 is a canonical splice donor site variant predicted to affect pre-mRNA splicing, which may result in an abnormal transcript and altered protein product. This variant is expected to result in nonsense mediated decay, truncation, or a dysfunctional protein product. This variant is rare in the general population with a frequency below the threshold expected for the associated phenotype(s). This variant has been observed in one or more individuals affected with the associated recessive disease, as either homozygous or compound heterozygous with a second variant (PMID: 34536170). Functional studies show that this variant may disrupt protein function (PMID: 34536170). Given the available evidence, this variant is classified as Likely Pathogenic.

Literature cited by the submitters: PubMed 34536170.

NM_138694.4(PKHD1):c.6808+1G>A

Gene: PKHD1 (PKHD1 ciliary IPT domain containing fibrocystin/polyductin; minus strand). Cytogenetic location: 6p12.2.
Variant type: single nucleotide variant.
Coding change: c.6808+1G>A on transcript NM_138694.4 (MANE Select); the canonical splice donor site of the intron after coding-DNA position 6808, G replaced by A.
Molecular consequence: splice donor variant.
Genome position (GRCh38, 1-based): chr6:51,906,214, C>T on the plus strand (G>A on the coding strand, the complement: PKHD1 is on the minus strand). VCF-style: chr6-51906214-C-T. GRCh37 (hg19) VCF-style: chr6-51771012-C-T.
Other names: c.6808+1G>A (NM_170724.3).
Identifiers: ClinVar variation 4816727 (VCV004816727.1).
Genomic context (GRCh38, chr6:51,906,214, plus strand): 5'-CATTGTGAAAAACTGTGTCCTACACAAGAATGCAGAAATTCAACAAGCTTGTTTTACTTA[C>T]CAACTAGCAGCGCATGACCTAAAATATTGTAGAATACATTACTGTCCACCTTCAGGCCCA-3'